The following is an entry in ClinVar:

ClinVar aggregate classification (germline): Uncertain significance (1 of 4 stars; one submission).

gnomAD v4.1: 5 of 1,613,772 alleles (0.00031%); highest among the groups gnomAD compares: Admixed American, 0.0067%; no homozygotes.

Submission:

Labcorp Genetics (formerly Invitae), Labcorp
Classification: Uncertain significance. Last evaluated: 2024-11-05. Review status: criteria provided, single submitter. Criteria: Invitae Variant Classification Sherloc (09022015). Collection method: clinical testing. Allele origin: germline.
Comment: This sequence change replaces glutamic acid, which is acidic and polar, with alanine, which is neutral and non-polar, at codon 393 of the BLK protein (p.Glu393Ala). This variant is present in population databases (rs750632024, gnomAD 0.009%). This variant has not been reported in the literature in individuals affected with BLK-related conditions. An algorithm developed to predict the effect of missense changes on protein structure and function (PolyPhen-2) suggests that this variant is likely to be disruptive. In summary, the available evidence is currently insufficient to determine the role of this variant in disease. Therefore, it has been classified as a Variant of Uncertain Significance.

NM_001715.3(BLK):c.1178A>C (p.Glu393Ala)

Gene: BLK (BLK proto-oncogene, Src family tyrosine kinase). Cytogenetic location: 8p23.1.
Variant type: single nucleotide variant.
Coding change: c.1178A>C on transcript NM_001715.3 (MANE Select); coding-DNA position 1178, A replaced by C.
Protein change: p.Glu393Ala; replaces glutamic acid 393 with alanine.
Molecular consequence: missense variant.
Genome position (GRCh38, 1-based): chr8:11,561,450, A>C. VCF-style: chr8-11561450-A-C. GRCh37 (hg19) VCF-style: chr8-11418959-A-C.
Other names: c.965A>C, p.Glu322Ala (NM_001330465.2); short protein forms E322A, E393A.
Identifiers: ClinVar variation 3675203 (VCV003675203.2).